The following is an entry in ClinVar:

NM_003803.4(MYOM1):c.4177A>G (p.Lys1393Glu)

Gene: MYOM1 (myomesin 1; minus strand). Cytogenetic location: 18p11.31.
Variant type: single nucleotide variant.
Coding change: c.4177A>G on transcript NM_003803.4 (MANE Select); coding-DNA position 4177, A replaced by G.
Protein change: p.Lys1393Glu; replaces lysine 1393 with glutamic acid.
Molecular consequence: missense variant.
Genome position (GRCh38, 1-based): chr18:3,086,112, T>C on the plus strand (A>G on the coding strand, the complement: MYOM1 is on the minus strand). VCF-style: chr18-3086112-T-C. GRCh37 (hg19) VCF-style: chr18-3086110-T-C.
Other names: c.3889A>G, p.Lys1297Glu (NM_019856.2); short protein forms K1393E, K1297E.
Identifiers: ClinVar variation 504856 (VCV000504856.17), dbSNP rs371239754, ClinGen allele CA8874021.

ClinVar aggregate classification (germline): Conflicting classifications of pathogenicity. Review status: criteria provided, conflicting classifications (1 of 4 stars). 3 submissions from 3 submitters: Uncertain significance (2); Likely benign (1). Last evaluated 2025-12-31.

Conditions:
Hypertrophic cardiomyopathy. Also called: HYPERTROPHIC MYOCARDIOPATHY. Identifiers: Orphanet 217569, MedGen C0007194, MeSH D002312, MONDO:0005045, HP:0001639.

Allele frequency attached by ClinVar (database versions not stated): gnomAD exomes 0.00002 and 0.00009; ExAC 0.00008; ESP Exome Variant Server 0.00008; 1000 Genomes Project 30x 0.00016; 1000 Genomes Project 0.00020; gnomAD 0.00031 and 0.00036; TOPMed 0.00032.
gnomAD v4.1: 79 of 1,611,642 alleles (0.0049%); highest among the groups gnomAD compares: African/African-American, 0.067%; no homozygotes.

Submissions (3):

Labcorp Genetics (formerly Invitae), Labcorp
Classification: Likely benign for Hypertrophic cardiomyopathy. Last evaluated: 2025-12-31. Review status: criteria provided, single submitter. Criteria: Invitae Variant Classification Sherloc (09022015). Collection method: clinical testing. Allele origin: germline.

Ambry Genetics
Classification: Uncertain significance. Last evaluated: 2024-08-12. Review status: criteria provided, single submitter. Criteria: Ambry Variant Classification Scheme 2023. Collection method: clinical testing. Allele origin: germline.

Laboratory for Molecular Medicine, Mass General Brigham Personalized Medicine
Classification: Uncertain significance. Last evaluated: 2018-01-22. Review status: criteria provided, single submitter. Criteria: LMM Criteria. Collection method: clinical testing. Allele origin: germline. Observed: 1 variant allele.
Comment: The p.Lys1393Glu variant in MYOM1 has not been previously reported in individual s with cardiomyopathy, but has been identified in 0.09% (22/24006) of African ch romosomes by the Genome Aggregation Database (gnomAD; rs371239754). Computational prediction tools and conservation analysis s uggest that the p.Lys1393Glu variant may impact the protein, though this informa tion is not predictive enough to determine pathogenicity. In summary, the clinic al significance of the p.Lys1393Glu variant is uncertain. ACMG/AMP Criteria appl ied: BS1_Supporting, PP3.